The following is an entry in ClinVar:

ClinVar aggregate classification (germline): Likely benign. Review status: criteria provided, multiple submitters, no conflicts (2 of 4 stars). 5 submissions from 5 submitters: Likely benign (4). 1 of the submissions does not count toward it. Last evaluated 2025-10-19.

Conditions:
Ullrich congenital muscular dystrophy 2 (UCMD2). Identifiers: Orphanet 75840, MedGen C4225314, MONDO:0014654, OMIM 616470.
Bethlem myopathy 2 (BTHLM2). Identifiers: Orphanet 536516, Orphanet 610, MedGen C4225313, MONDO:0034022, OMIM 616471.
COL12A1-related disorder. Also called: COL12A1-related condition.

Allele frequency attached by ClinVar (database versions not stated): ExAC 0.00004; gnomAD 0.00004; gnomAD exomes 0.00004 and 0.00009; TOPMed 0.00004; ESP Exome Variant Server 0.00017.
gnomAD v4.1: 146 of 1,613,666 alleles (0.009%); highest among the groups gnomAD compares: Non-Finnish European, 0.011%; no homozygotes.

Submissions (5):

Labcorp Genetics (formerly Invitae), Labcorp
Classification: Likely benign for Bethlem myopathy 2; Ullrich congenital muscular dystrophy 2. Last evaluated: 2025-10-19. Review status: criteria provided, single submitter. Criteria: Invitae Variant Classification Sherloc (09022015). Collection method: clinical testing. Allele origin: germline.

Mayo Clinic Laboratories, Mayo Clinic
Classification: Likely benign. Last evaluated: 2025-09-11. Review status: criteria provided, single submitter. Criteria: ACMG Guidelines, 2015. Collection method: clinical testing. Allele origin: germline. Observed: 1 variant allele.
Comment: BP4, BP7

Women's Health and Genetics/Laboratory Corporation of America, LabCorp
Classification: Likely benign. Last evaluated: 2025-01-14. Review status: criteria provided, single submitter. Criteria: LabCorp Variant Classification Summary - May 2015. Collection method: clinical testing. Allele origin: germline.

GeneDx
Classification: Likely benign. Last evaluated: 2019-07-12. Review status: criteria provided, single submitter. Criteria: GeneDx Variant Classification Process June 2021. Collection method: clinical testing. Allele origin: germline. Affected: yes.

PreventionGenetics, part of Exact Sciences
Classification: Likely benign for COL12A1-related condition. Last evaluated: 2020-08-01. Review status: no assertion criteria provided. Collection method: clinical testing. Allele origin: germline. Not counted in ClinVar's aggregate classification.
Comment: This variant is classified as likely benign based on ACMG/AMP sequence variant interpretation guidelines (Richards et al. 2015 PMID: 25741868, with internal and published modifications).

NM_004370.6(COL12A1):c.3021A>G (p.Glu1007=)

Gene: COL12A1 (collagen type XII alpha 1 chain; minus strand). Cytogenetic location: 6q13.
Variant type: single nucleotide variant.
Coding change: c.3021A>G on transcript NM_004370.6 (MANE Select); coding-DNA position 3021, A replaced by G.
Protein change: p.Glu1007=; no amino-acid change (glutamic acid 1007 retained).
Molecular consequence: synonymous variant. On other transcripts: intron variant (1).
Genome position (GRCh38, 1-based): chr6:75,156,486, T>C on the plus strand (A>G on the coding strand, the complement: COL12A1 is on the minus strand). VCF-style: chr6-75156486-T-C. GRCh37 (hg19) VCF-style: chr6-75866202-T-C.
Other names: p.Glu1007=; c.74-4004A>G (NM_080645.3).
Identifiers: ClinVar variation 475855 (VCV000475855.17), dbSNP rs368940290, ClinGen allele CA3893818.
Genomic context (GRCh38, chr6:75,156,486, plus strand): 5'-ACGGTAGTTGACGACTTTCCCTGGTGCTGGTTTCCATGTAACTCTCATTGTGTTTTCTGT[T>C]TCTTCATCTACTTTCAGGGTTTTGGAATCTTGAGATACTGGGAGATAAAAGGAAGATTAA-3'
Protein context (NP_004361.3, residues 997-1017): QDSKTLKVDE[Glu1007=]TENTMRVTWK